The following is an entry in ClinVar:

NM_153460.4(IL17RC):c.1819G>T (p.Asp607Tyr)

Gene: IL17RC (interleukin 17 receptor C; plus strand). Cytogenetic location: 3p25.3.
Variant type: single nucleotide variant.
Coding change: c.1819G>T on transcript NM_153460.4 (MANE Select); coding-DNA position 1819, G replaced by T.
Protein change: p.Asp607Tyr; replaces aspartic acid 607 with tyrosine.
Molecular consequence: missense variant. On other transcripts: non-coding transcript variant (1).
Genome position (GRCh38, 1-based): chr3:9,933,249, G>T. VCF-style: chr3-9933249-G-T. GRCh37 (hg19) VCF-style: chr3-9974933-G-T.
Other names: c.1780G>T, p.Asp594Tyr (NM_001203263.2); c.1729G>T, p.Asp577Tyr (NM_001203264.2); c.1723G>T, p.Asp575Tyr (NM_001203265.2); c.1741G>T, p.Asp581Tyr (NM_001367278.1); c.1660G>T, p.Asp554Tyr (NM_001367279.1); c.1735G>T, p.Asp579Tyr (NM_001367280.1); c.1684G>T, p.Asp562Tyr (NM_001410711.1); c.1774G>T, p.Asp592Tyr (NM_032732.6); and 1 more; short protein forms D607Y, D562Y, D678Y, D554Y, D581Y, D592Y, D594Y, D575Y.
Identifiers: ClinVar variation 2851788 (VCV002851788.3), dbSNP rs2470443580, ClinGen allele CA351707566.
Genomic context (GRCh38, chr3:9,933,249, plus strand): 5'-GCGCTGTGCAGCGAGTGGCTACAGGATGGGGTGTCCGGGCCCGGGGCGCACGGCCCGCAC[G>T]ACGCCTTCCGCGCCTCGCTCAGCTGCGTGCTGCCCGACTTCTTGCAGGGCCGGGCGCCCG-3'
Protein context (NP_703190.2, residues 597-617): VSGPGAHGPH[Asp607Tyr]AFRASLSCVL

ClinVar aggregate classification (germline): Uncertain significance (1 of 4 stars; one submission).

Conditions:
Candidiasis, familial, 9 (CANDF9). Identifiers: Orphanet 1334, MedGen C4225324, MONDO:0014642, OMIM 616445.

Submission:

Labcorp Genetics (formerly Invitae), Labcorp
Classification: Uncertain significance for Candidiasis, familial, 9. Last evaluated: 2023-04-03. Review status: criteria provided, single submitter. Criteria: Invitae Variant Classification Sherloc (09022015). Collection method: clinical testing. Allele origin: germline.
Comment: In summary, the available evidence is currently insufficient to determine the role of this variant in disease. Therefore, it has been classified as a Variant of Uncertain Significance. An algorithm developed to predict the effect of missense changes on protein structure and function (PolyPhen-2) suggests that this variant is likely to be disruptive. This variant has not been reported in the literature in individuals affected with IL17RC-related conditions. This variant is not present in population databases (gnomAD no frequency). This sequence change replaces aspartic acid, which is acidic and polar, with tyrosine, which is neutral and polar, at codon 678 of the IL17RC protein (p.Asp678Tyr).